The following is an entry in ClinVar:

ClinVar aggregate classification (germline): Uncertain significance. Review status: criteria provided, multiple submitters, no conflicts (2 of 4 stars). 5 submissions from 5 submitters: Uncertain significance (5). Last evaluated 2025-12-10.

Conditions:
Classic or attenuated familial adenomatous polyposis. Identifiers: MedGen CN372698, MONDO:0021057.
Hereditary cancer-predisposing syndrome. Also called: Hereditary Cancer Syndrome; Hereditary neoplastic syndrome; Neoplastic Syndromes, Hereditary; Tumor predisposition. Identifiers: Orphanet 140162, MedGen C0027672, MeSH D009386, MONDO:0015356.
Familial adenomatous polyposis 1 (FAP1). Also called: FAMILIAL ADENOMATOUS POLYPOSIS 1, ATTENUATED; POLYPOSIS, ADENOMATOUS INTESTINAL. Identifiers: MedGen C2713442, MONDO:0021056, OMIM 175100. Disease mechanism: loss of function.

Allele frequency attached by ClinVar (database versions not stated): gnomAD exomes below 0.00001; ExAC 0.00001.
gnomAD v4.1: 6 of 1,614,086 alleles (0.00037%); highest among the groups gnomAD compares: South Asian, 0.0055%; no homozygotes.

Submissions (5):

Ambry Genetics
Classification: Uncertain significance for Hereditary cancer-predisposing syndrome. Last evaluated: 2025-12-10. Review status: criteria provided, single submitter. Criteria: Ambry Variant Classification Scheme 2023. Collection method: clinical testing. Allele origin: germline.
Comment: The p.T1220K variant (also known as c.3659C>A), located in coding exon 15 of the APC gene, results from a C to A substitution at nucleotide position 3659. The threonine at codon 1220 is replaced by lysine, an amino acid with similar properties. This amino acid position is not well conserved in available vertebrate species. In addition, in silico predictors for this gene do not accurately predict pathogenicity. Missense variants in APC are not a common cause of disease (Spier I et al. Genet Med. 2024 Feb;26(2):100992). Based on the available evidence, the clinical significance of this variant remains unclear.

Labcorp Genetics (formerly Invitae), Labcorp
Classification: Uncertain significance for Familial adenomatous polyposis 1. Last evaluated: 2024-12-30. Review status: criteria provided, single submitter. Criteria: Invitae Variant Classification Sherloc (09022015). Collection method: clinical testing. Allele origin: germline.
Comment: This sequence change replaces threonine, which is neutral and polar, with lysine, which is basic and polar, at codon 1220 of the APC protein (p.Thr1220Lys). This variant is present in population databases (rs773617726, gnomAD 0.003%). This variant has not been reported in the literature in individuals affected with APC-related conditions. ClinVar contains an entry for this variant (Variation ID: 1692114). Invitae Evidence Modeling of protein sequence and biophysical properties (such as structural, functional, and spatial information, amino acid conservation, physicochemical variation, residue mobility, and thermodynamic stability) indicates that this missense variant is not expected to disrupt APC protein function with a negative predictive value of 95%. In summary, the available evidence is currently insufficient to determine the role of this variant in disease. Therefore, it has been classified as a Variant of Uncertain Significance.

All of Us Research Program, National Institutes of Health
Classification: Uncertain significance for Classic or attenuated familial adenomatous polyposis. Last evaluated: 2023-12-13. Review status: criteria provided, single submitter. Criteria: ACMG Guidelines, 2015. Collection method: clinical testing. Allele origin: germline. Inheritance: Autosomal dominant inheritance. Observed: 2 variant alleles, 2 heterozygotes.
Comment: This missense variant replaces threonine with lysine at codon 1220 of the APC protein. Computational prediction suggests that this variant may not impact protein structure and function (internally defined REVEL score threshold <= 0.5, PMID: 27666373). To our knowledge, functional studies have not been reported for this variant. This variant has not been reported in individuals affected with APC-related disorders in the literature. This variant has been identified in 2/281738 chromosomes in the general population by the Genome Aggregation Database (gnomAD). The available evidence is insufficient to determine the role of this variant in disease conclusively. Therefore, this variant is classified as a Variant of Uncertain Significance.

This study involves interpretation of variants in research participants for the purpose of population health screening. Participant phenotype was not available at the time of variant classification. Additional details can be found in publication PMID: 35346344, PMCID: PMC8962531

Color Diagnostics, LLC DBA Color Health
Classification: Uncertain significance for Hereditary cancer-predisposing syndrome. Last evaluated: 2023-09-20. Review status: criteria provided, single submitter. Criteria: ACMG Guidelines, 2015. Collection method: clinical testing. Allele origin: germline.
Comment: This missense variant replaces threonine with lysine at codon 1220 of the APC protein. Computational prediction suggests that this variant may not impact protein structure and function (internally defined REVEL score threshold <= 0.5, PMID: 27666373). To our knowledge, functional studies have not been reported for this variant. This variant has not been reported in individuals affected with APC-related disorders in the literature. This variant has been identified in 2/281738 chromosomes in the general population by the Genome Aggregation Database (gnomAD). The available evidence is insufficient to determine the role of this variant in disease conclusively. Therefore, this variant is classified as a Variant of Uncertain Significance.

Sema4
Classification: Uncertain significance for Hereditary cancer-predisposing syndrome. Last evaluated: 2021-04-28. Review status: criteria provided, single submitter. Criteria: Sema4 Curation Guidelines. Collection method: curation. Allele origin: germline.
Comment: The APC c.3659C>A (p.T1220K) variant has not been reported in the literature to our knowledge. It was observed in 1/30596 chromosomes of the South Asian subpopulation in the large and broad cohorts of the Genome Aggregation Database (PMID: 32461654). This variant has not been reported in ClinVar. In silico tools suggest the impact of the variant on protein function is inconclusive, though these predictions have not been confirmed by functional studies. The evidence is insufficient to meet ACMG/AMP criteria for classifying the variant as benign or pathogenic. Thus, the clinical significance of this variant is currently uncertain.

NM_000038.6(APC):c.3659C>A (p.Thr1220Lys)

Gene: APC (APC regulator of Wnt signaling pathway; plus strand). Cytogenetic location: 5q22.2.
Variant type: single nucleotide variant.
Coding change: c.3659C>A on transcript NM_000038.6 (MANE Select); coding-DNA position 3659, C replaced by A.
Protein change: p.Thr1220Lys; replaces threonine 1220 with lysine.
Molecular consequence: missense variant.
Genome position (GRCh38, 1-based): chr5:112,839,253, C>A. VCF-style: chr5-112839253-C-A. GRCh37 (hg19) VCF-style: chr5-112174950-C-A.
Other names: c.3659C>A (NM_000038.5); c.3659C>A, p.Thr1220Lys (NM_001127510.3, NM_001354895.2); c.3605C>A, p.Thr1202Lys (NM_001127511.3); c.3713C>A, p.Thr1238Lys (NM_001354896.2); c.3689C>A, p.Thr1230Lys (NM_001354897.2); c.3584C>A, p.Thr1195Lys (NM_001354898.2); c.3575C>A, p.Thr1192Lys (NM_001354899.2); c.3536C>A, p.Thr1179Lys (NM_001354900.2); and 6 more; short protein forms T1060K, T1094K, T1119K, T1129K, T1161K, T1179K, T1192K, T1195K.
Identifiers: ClinVar variation 1692114 (VCV001692114.7), dbSNP rs773617726, ClinGen allele CA036154.